The following is an entry in ClinVar:

NM_203447.4(DOCK8):c.6226G>C (p.Glu2076Gln)

Gene: DOCK8 (dedicator of cytokinesis 8; plus strand). Cytogenetic location: 9p24.3.
Variant type: single nucleotide variant.
Coding change: c.6226G>C on transcript NM_203447.4 (MANE Select); coding-DNA position 6226, G replaced by C.
Protein change: p.Glu2076Gln; replaces glutamic acid 2076 with glutamine.
Molecular consequence: missense variant.
Genome position (GRCh38, 1-based): chr9:463,674, G>C. VCF-style: chr9-463674-G-C. GRCh37 (hg19) VCF-style: chr9-463674-G-C.
Other names: c.5926G>C, p.Glu1976Gln (NM_001190458.2); c.6022G>C, p.Glu2008Gln (NM_001193536.2); short protein forms E2008Q, E1976Q, E2076Q.
Identifiers: ClinVar variation 3704913 (VCV003704913.2).
Genomic context (GRCh38, chr9:463,674, plus strand): 5'-AACCTCAGGCCAATGATCGAGCGGAAAATTCCAGAACTGTACAAGCCAATATTCAGAGTT[G>C]AGAGTCAAAAGAGGTAAGAACAGGGCAGAGGAGGCCTCTTCCTGTGGGATAAAGAGCAGC-3'
Protein context (NP_982272.2, residues 2066-2086): PELYKPIFRV[Glu2076Gln]SQKRDSFHRS

ClinVar aggregate classification (germline): Uncertain significance (1 of 4 stars; one submission).

Conditions:
Combined immunodeficiency due to DOCK8 deficiency (HIES2). Also called: HYPER-IgE SYNDROME 2, AUTOSOMAL RECESSIVE, WITH RECURRENT INFECTIONS; DOCK8 Deficiency; Hyper-IgE recurrent infection syndrome, autosomal recessive; HIES autosomal recessive; HYPER-IgE RECURRENT INFECTION SYNDROME 2, AUTOSOMAL RECESSIVE. Identifiers: Orphanet 217390, MedGen C4722305, MONDO:0009478, OMIM 243700.

Submission:

Labcorp Genetics (formerly Invitae), Labcorp
Classification: Uncertain significance for Combined immunodeficiency due to DOCK8 deficiency. Last evaluated: 2024-09-14. Review status: criteria provided, single submitter. Criteria: Invitae Variant Classification Sherloc (09022015). Collection method: clinical testing. Allele origin: germline.
Comment: This sequence change replaces glutamic acid, which is acidic and polar, with glutamine, which is neutral and polar, at codon 2076 of the DOCK8 protein (p.Glu2076Gln). This variant is not present in population databases (gnomAD no frequency). This variant has not been reported in the literature in individuals affected with DOCK8-related conditions. Invitae Evidence Modeling of protein sequence and biophysical properties (such as structural, functional, and spatial information, amino acid conservation, physicochemical variation, residue mobility, and thermodynamic stability) indicates that this missense variant is not expected to disrupt DOCK8 protein function with a negative predictive value of 80%. In summary, the available evidence is currently insufficient to determine the role of this variant in disease. Therefore, it has been classified as a Variant of Uncertain Significance.